The following is an entry in ClinVar:

ClinVar aggregate classification (germline): Uncertain significance. Review status: criteria provided, multiple submitters, no conflicts (2 of 4 stars). 5 submissions from 5 submitters: Uncertain significance (5). Last evaluated 2025-11-04.

Conditions:
Catecholaminergic polymorphic ventricular tachycardia (CVPT). Also called: Catecholamine-induced polymorphic ventricular tachycardia. Identifiers: Orphanet 3286, MedGen C5574922, MONDO:0017990.
Arrhythmogenic right ventricular dysplasia 2. Identifiers: MedGen C1832931.
Ventricular arrhythmias due to cardiac ryanodine receptor calcium release deficiency syndrome. Also called: Autosomal dominant cardiac arrhythmia (Kuhn). Identifiers: MedGen C5542154, MONDO:0020745, OMIM 115000.
Catecholaminergic polymorphic ventricular tachycardia 1. Also called: RYR2-Related Catecholaminergic Polymorphic Ventricular Tachycardia; VENTRICULAR TACHYCARDIA, STRESS-INDUCED POLYMORPHIC 1; VENTRICULAR TACHYCARDIA, CATECHOLAMINERGIC POLYMORPHIC, 1, WITH OR WITHOUT ATRIAL DYSFUNCTION AND/OR DILATED CARDIOMYOPATHY. Identifiers: Orphanet 3286, MedGen C1631597, MONDO:0011484, OMIM 604772.
Cardiomyopathy (CMYO). Also called: Cardiomyopathies. Identifiers: Orphanet 167848, MedGen C0878544, MONDO:0004994, HP:0001638. Inheritance: Various modes of inheritance.
Cardiovascular phenotype. Identifiers: MedGen CN230736.

Allele frequency attached by ClinVar (database versions not stated): ExAC 0.00001; gnomAD 0.00001; TOPMed 0.00001.
gnomAD v4.1: 7 of 1,613,770 alleles (0.00043%); highest among the groups gnomAD compares: African/African-American, 0.0013%; no homozygotes.

Submissions (5):

Ambry Genetics
Classification: Uncertain significance for Cardiovascular phenotype. Last evaluated: 2025-11-04. Review status: criteria provided, single submitter. Criteria: Ambry Variant Classification Scheme 2023. Collection method: clinical testing. Allele origin: germline.
Comment: The p.M3235V variant (also known as c.9703A>G), located in coding exon 68 of the RYR2 gene, results from an A to G substitution at nucleotide position 9703. The methionine at codon 3235 is replaced by valine, an amino acid with highly similar properties. This amino acid position is well conserved in available vertebrate species. In addition, this alteration is predicted to be tolerated by in silico analysis. Based on the available evidence, the clinical significance of this variant remains unclear.

All of Us Research Program, National Institutes of Health
Classification: Uncertain significance for Catecholaminergic polymorphic ventricular tachycardia. Last evaluated: 2024-08-29. Review status: criteria provided, single submitter. Criteria: ACMG Guidelines, 2015. Collection method: clinical testing. Allele origin: germline. Inheritance: Autosomal dominant inheritance. Observed: 4 variant alleles, 4 heterozygotes.
Comment: This missense variant replaces methionine with valine at codon 3235 of the RYR2 protein. Computational prediction suggests that this variant may not impact protein structure and function (internally defined REVEL score threshold <= 0.5, PMID: 27666373). To our knowledge, functional studies have not been reported for this variant. This variant has not been reported in individuals affected with cardiovascular disorders in the literature. This variant has not been identified in the general population by the Genome Aggregation Database (gnomAD). The available evidence is insufficient to determine the role of this variant in disease conclusively. Therefore, this variant is classified as a Variant of Uncertain Significance.

This study involves interpretation of variants in research participants for the purpose of population health screening. Participant phenotype was not available at the time of variant classification. Additional details can be found in publication PMID: 35346344, PMCID: PMC8962531

Color Diagnostics, LLC DBA Color Health
Classification: Uncertain significance for Cardiomyopathy. Last evaluated: 2024-03-07. Review status: criteria provided, single submitter. Criteria: ACMG Guidelines, 2015. Collection method: clinical testing. Allele origin: germline.
Comment: This missense variant replaces methionine with valine at codon 3235 of the RYR2 protein. Computational prediction suggests that this variant may not impact protein structure and function (internally defined REVEL score threshold <= 0.5, PMID: 27666373). To our knowledge, functional studies have not been reported for this variant. This variant has not been reported in individuals affected with cardiovascular disorders in the literature. This variant has not been identified in the general population by the Genome Aggregation Database (gnomAD). The available evidence is insufficient to determine the role of this variant in disease conclusively. Therefore, this variant is classified as a Variant of Uncertain Significance.

Labcorp Genetics (formerly Invitae), Labcorp
Classification: Uncertain significance for Catecholaminergic polymorphic ventricular tachycardia 1. Last evaluated: 2023-12-09. Review status: criteria provided, single submitter. Criteria: Invitae Variant Classification Sherloc (09022015). Collection method: clinical testing. Allele origin: germline.
Comment: This sequence change replaces methionine, which is neutral and non-polar, with valine, which is neutral and non-polar, at codon 3235 of the RYR2 protein (p.Met3235Val). This variant is present in population databases (rs773957909, gnomAD 0.0009%). This variant has not been reported in the literature in individuals affected with RYR2-related conditions. ClinVar contains an entry for this variant (Variation ID: 1036906). Advanced modeling of protein sequence and biophysical properties (such as structural, functional, and spatial information, amino acid conservation, physicochemical variation, residue mobility, and thermodynamic stability) performed at Invitae indicates that this missense variant is not expected to disrupt RYR2 protein function with a negative predictive value of 95%. In summary, the available evidence is currently insufficient to determine the role of this variant in disease. Therefore, it has been classified as a Variant of Uncertain Significance.

Fulgent Genetics
Classification: Uncertain significance for Ventricular arrhythmias due to cardiac ryanodine receptor calcium release deficiency syndrome; Catecholaminergic polymorphic ventricular tachycardia 1. Last evaluated: 2021-11-11. Review status: criteria provided, single submitter. Criteria: ACMG Guidelines, 2015. Collection method: clinical testing. Allele origin: unknown.

NM_001035.3(RYR2):c.9703A>G (p.Met3235Val)

Gene: RYR2 (ryanodine receptor 2; plus strand). Cytogenetic location: 1q43.
Variant type: single nucleotide variant.
Coding change: c.9703A>G on transcript NM_001035.3 (MANE Select); coding-DNA position 9703, A replaced by G.
Protein change: p.Met3235Val; replaces methionine 3235 with valine.
Molecular consequence: missense variant.
Genome position (GRCh38, 1-based): chr1:237,707,071, A>G. VCF-style: chr1-237707071-A-G. GRCh37 (hg19) VCF-style: chr1-237870371-A-G.
Other names: short protein forms M3235V.
Identifiers: ClinVar variation 1036906 (VCV001036906.16), dbSNP rs773957909, ClinGen allele CA087948.
Genomic context (GRCh38, chr1:237,707,071, plus strand): 5'-ATGGAAGAAATCGTGGAATTAGCCGAGTCCGGCATTCGCTACACTCAAATGCCACATGTC[A>G]TGGAAGTCATACTGCCCATGCTTTGCAGCTACATGTCTCGTTGGTGGGAGCATGGACCTG-3'
Protein context (NP_001026.2, residues 3225-3245): GIRYTQMPHV[Met3235Val]EVILPMLCSY